The following is an entry in ClinVar:

NM_015338.6(ASXL1):c.4613T>C (p.Leu1538Pro)

Gene: ASXL1 (ASXL transcriptional regulator 1; plus strand). Cytogenetic location: 20q11.21.
Variant type: single nucleotide variant.
Coding change: c.4613T>C on transcript NM_015338.6 (MANE Select); coding-DNA position 4613, T replaced by C.
Protein change: p.Leu1538Pro; replaces leucine 1538 with proline.
Molecular consequence: missense variant.
Genome position (GRCh38, 1-based): chr20:32,437,325, T>C. VCF-style: chr20-32437325-T-C. GRCh37 (hg19) VCF-style: chr20-31025128-T-C.
Other names: c.4430T>C, p.Leu1477Pro (NM_001363734.1); short protein forms L1538P, L1477P.
Identifiers: ClinVar variation 4157911 (VCV004157911.1).
Genomic context (GRCh38, chr20:32,437,325, plus strand): 5'-GCTGCGGTGCGTTCTGTCACGATGACTGTATTGGACCCTCAAAGCTCTGTGTATTGTGCC[T>C]TGTGGTGAGATAATAAATTATGGCCATGGGAAACATTGTATATTTAGTGTGTGTATTTTG-3'
Protein context (NP_056153.2, residues 1528-1541): IGPSKLCVLC[Leu1538Pro]VVR

ClinVar aggregate classification (germline): Uncertain significance (1 of 4 stars; one submission).

Conditions:
Inborn genetic diseases. Identifiers: MedGen C0950123, MeSH D030342.

Submission:

Ambry Genetics
Classification: Uncertain significance for Inborn genetic diseases. Last evaluated: 2025-06-26. Review status: criteria provided, single submitter. Criteria: Ambry Variant Classification Scheme 2023. Collection method: clinical testing. Allele origin: germline.
Comment: The p.L1538P variant (also known as c.4613T>C), located in coding exon 13 of the ASXL1 gene, results from a T to C substitution at nucleotide position 4613. The leucine at codon 1538 is replaced by proline, an amino acid with similar properties. This amino acid position is conserved. In addition, this alteration is predicted to be deleterious by in silico analysis. Based on the available evidence, the clinical significance of this variant remains unclear.